The following is an entry in ClinVar:

NM_152564.5(VPS13B):c.9525G>A (p.Trp3175Ter)

Gene: VPS13B (vacuolar protein sorting 13 homolog B; plus strand). Cytogenetic location: 8q22.2.
Variant type: single nucleotide variant.
Coding change: c.9525G>A on transcript NM_152564.5 (MANE Select); coding-DNA position 9525, G replaced by A.
Protein change: p.Trp3175Ter; replaces tryptophan 3175 with a stop codon.
Molecular consequence: nonsense.
Genome position (GRCh38, 1-based): chr8:99,832,563, G>A. VCF-style: chr8-99832563-G-A. GRCh37 (hg19) VCF-style: chr8-100844791-G-A.
Other names: c.9600G>A, p.Trp3200Ter (NM_017890.5); short protein forms W3175*, W3200*.
Identifiers: ClinVar variation 1453918 (VCV001453918.6), dbSNP rs2130858310, ClinGen allele CA371781822.

ClinVar aggregate classification (germline): Pathogenic (1 of 4 stars; one submission).

Conditions:
Cohen syndrome (COH1). Also called: PEPPER SYNDROME; Cutis verticis gyrata, retinitis pigmentosa, and sensorineural deafness. Identifiers: Orphanet 193, MedGen C0265223, MONDO:0008999, OMIM 216550.

Submission:

Labcorp Genetics (formerly Invitae), Labcorp
Classification: Pathogenic for Cohen syndrome. Last evaluated: 2021-05-28. Review status: criteria provided, single submitter. Criteria: Invitae Variant Classification Sherloc (09022015). Collection method: clinical testing. Allele origin: germline.
Comment: This sequence change creates a premature translational stop signal (p.Trp3200*) in the VPS13B gene. It is expected to result in an absent or disrupted protein product. Loss-of-function variants in VPS13B are known to be pathogenic (PMID: 15141358, 16648375, 20461111). This variant is not present in population databases (ExAC no frequency). This variant has not been reported in the literature in individuals with VPS13B-related conditions. For these reasons, this variant has been classified as Pathogenic.

Literature cited by the submitters: PubMed 15141358; PubMed 16648375; PubMed 20461111.